The following is an entry in ClinVar:

ClinVar aggregate classification (germline): Likely benign (1 of 4 stars; one submission).

Allele frequency attached by ClinVar (database versions not stated): gnomAD 0.00001; gnomAD exomes 0.00001; TOPMed 0.00001.
gnomAD v4.1: 8 of 1,600,460 alleles (0.0005%); highest among the groups gnomAD compares: Non-Finnish European, 0.00068%; no homozygotes.

Submission:

CeGaT Center for Human Genetics Tuebingen
Classification: Likely benign. Last evaluated: 2024-04-01. Review status: criteria provided, single submitter. Criteria: CeGaT Center For Human Genetics Tuebingen Variant Classification Criteria Version 2. Collection method: clinical testing. Allele origin: germline. Affected: yes. Observed: 1 variant allele.
Comment: SPIDR: BP4, BP7

NM_001080394.4(SPIDR):c.2550+51C>T

Gene: SPIDR (scaffold protein involved in DNA repair; plus strand). Cytogenetic location: 8q11.21.
Variant type: single nucleotide variant.
Coding change: c.2550+51C>T on transcript NM_001080394.4 (MANE Select); 51 bases into the intron after coding-DNA position 2550, C replaced by T.
Molecular consequence: intron variant. On other transcripts: synonymous variant (5).
Genome position (GRCh38, 1-based): chr8:47,729,098, C>T. VCF-style: chr8-47729098-C-T. GRCh37 (hg19) VCF-style: chr8-48641660-C-T.
Other names: c.1800+51C>T (NM_001352948.1, NM_001352947.1, NM_001352946.1); c.1617+51C>T (NM_001352955.1, NM_001352952.1, NM_001352953.1 and 1 more transcripts); c.1502+1805C>T (NM_001352957.1); c.2430+51C>T (NM_001352932.1); c.2058+51C>T (NM_001352940.1, NM_001352939.1, NM_001352938.1); c.1943+1805C>T (NM_001352950.1); c.1850-6209C>T (NM_001352943.1); c.2034+51C>T (NM_001352941.1); and 17 more.
Identifiers: ClinVar variation 3234742 (VCV003234742.20), dbSNP rs1172569171, ClinGen allele CA581662289.